The following is an entry in ClinVar:

ClinVar aggregate classification (germline): Uncertain significance. Review status: criteria provided, multiple submitters, no conflicts (2 of 4 stars). 2 submissions from 2 submitters: Uncertain significance (2). Last evaluated 2017-08-20.

Conditions:
Hereditary cancer-predisposing syndrome. Also called: Neoplastic Syndromes, Hereditary; Tumor predisposition; Hereditary Cancer Syndrome; Hereditary neoplastic syndrome. Identifiers: Orphanet 140162, MedGen C0027672, MeSH D009386, MONDO:0015356.

Submissions (2):

Labcorp Genetics (formerly Invitae), Labcorp
Classification: Uncertain significance for Hereditary cancer-predisposing syndrome. Last evaluated: 2017-08-20. Review status: criteria provided, single submitter. Criteria: Invitae Variant Classification Sherloc (09022015). Collection method: clinical testing. Allele origin: germline.
Comment: Algorithms developed to predict the effect of missense changes on protein structure and function (SIFT, PolyPhen-2, Align-GVGD) all suggest that this variant is likely to be tolerated, but these predictions have not been confirmed by published functional studies and their clinical significance is uncertain. In summary, the available evidence is currently insufficient to determine the role of this variant in disease. Therefore, it has been classified as a Variant of Uncertain Significance. This variant has not been reported in the literature in individuals with RAD50-related disease. This variant is not present in population databases (ExAC no frequency). This sequence change replaces serine with arginine at codon 1255 of the RAD50 protein (p.Ser1255Arg). The serine residue is moderately conserved and there is a moderate physicochemical difference between serine and arginine.

Ambry Genetics
Classification: Uncertain significance for Hereditary cancer-predisposing syndrome. Last evaluated: 2017-03-06. Review status: criteria provided, single submitter. Criteria: Ambry Variant Classification Scheme 2023. Collection method: clinical testing. Allele origin: germline.
Comment: The p.S1255R variant (also known as c.3765T>G), located in coding exon 25 of the RAD50 gene, results from a T to G substitution at nucleotide position 3765. The serine at codon 1255 is replaced by arginine, an amino acid with dissimilar properties. This amino acid position is highly conserved in available vertebrate species. In addition, the in silico prediction for this alteration is inconclusive. Since supporting evidence is limited at this time, the clinical significance of this alteration remains unclear.

NM_005732.4(RAD50):c.3765T>G (p.Ser1255Arg)

Genes: RAD50 (RAD50 double strand break repair protein; plus strand), TH2LCRR (T helper type 2 locus control region associated RNA; minus strand), TH2-LCR (Th2 cytokine locus control region; plus strand). Cytogenetic location: 5q31.1.
Variant type: single nucleotide variant.
Coding change: c.3765T>G on transcript NM_005732.4 (MANE Select); coding-DNA position 3765, T replaced by G.
Protein change: p.Ser1255Arg; replaces serine 1255 with arginine.
Molecular consequence: missense variant.
Genome position (GRCh38, 1-based): chr5:132,642,190, T>G. VCF-style: chr5-132642190-T-G. GRCh37 (hg19) VCF-style: chr5-131977882-T-G.
Other names: short protein forms S1255R.
Identifiers: ClinVar variation 484700 (VCV000484700.13), dbSNP rs1554101316, ClinGen allele CA360935613.